The following is an entry in ClinVar:

ClinVar aggregate classification (germline): Uncertain significance. Review status: criteria provided, single submitter (1 of 4 stars). 2 submissions from 2 submitters: Uncertain significance (1). 1 of the submissions does not count toward it. Last evaluated 2024-11-01.

Conditions:
NPHP1-related disorder. Also called: NPHP1-related condition; NPHP1-related disorders.

gnomAD v4.1: 1 of 1,613,586 alleles (0.000062%); highest among the groups gnomAD compares: Non-Finnish European, 0.000085%; no homozygotes.

Submissions (2):

CeGaT Center for Human Genetics Tuebingen
Classification: Uncertain significance. Last evaluated: 2024-11-01. Review status: criteria provided, single submitter. Criteria: CeGaT Center For Human Genetics Tuebingen Variant Classification Criteria Version 2. Collection method: clinical testing. Allele origin: germline. Affected: yes. Observed: 2 variant alleles.
Comment: NPHP1: PM2, PM3, BP1

PreventionGenetics, part of Exact Sciences
Classification: Uncertain significance for NPHP1-related condition. Last evaluated: 2024-09-06. Review status: no assertion criteria provided. Collection method: clinical testing. Allele origin: germline. Not counted in ClinVar's aggregate classification.
Comment: The NPHP1 c.1469G>T variant is predicted to result in the amino acid substitution p.Gly490Val. To our knowledge, this variant has not been reported in the literature. This variant is reported in 0.00088% of alleles in individuals of European (Non-Finnish) descent in gnomAD. At this time, the clinical significance of this variant is uncertain due to the absence of conclusive functional and genetic evidence.

NM_001128178.3(NPHP1):c.1301G>T (p.Gly434Val)

Gene: NPHP1 (nephrocystin 1; minus strand). Cytogenetic location: 2q13.
Variant type: single nucleotide variant.
Coding change: c.1301G>T on transcript NM_001128178.3 (MANE Select); coding-DNA position 1301, G replaced by T.
Protein change: p.Gly434Val; replaces glycine 434 with valine.
Molecular consequence: missense variant.
Genome position (GRCh38, 1-based): chr2:110,146,804, C>A on the plus strand (G>T on the coding strand, the complement: NPHP1 is on the minus strand). VCF-style: chr2-110146804-C-A. GRCh37 (hg19) VCF-style: chr2-110904381-C-A.
Other names: c.1469G>T, p.Gly490Val (NM_000272.5); c.1112G>T, p.Gly371Val (NM_001128179.3); c.1298G>T, p.Gly433Val (NM_001374256.1); c.1301G>T, p.Gly434Val (NM_001374257.1); c.1466G>T, p.Gly489Val (NM_207181.4); short protein forms G371V, G433V, G434V, G489V, G490V.
Identifiers: ClinVar variation 3344073 (VCV003344073.15).
Genomic context (GRCh38, chr2:110,146,804, plus strand): 5'-CCAACTTACTTTGCTGGAATAGGAACTCCACTGGCATCAAAAAGTTTAAGAAACACCCAG[C>A]CACAGCTTAACTCTCCTCTTTCACCAGTTGACTAGGAAATAAGACAAGTATATGAAACTT-3'
Protein context (NP_001121650.1, residues 424-444): STGERGELSC[Gly434Val]WVFLKLFDAS